The following is an entry in ClinVar:

NM_130839.5(UBE3A):c.1083T>G (p.Asp361Glu)

Genes: SNHG14 (small nucleolar RNA host gene 14; plus strand), UBE3A (ubiquitin protein ligase E3A; minus strand). Cytogenetic location: 15q11.2.
Variant type: single nucleotide variant.
Coding change: c.1083T>G on transcript NM_130839.5 (MANE Select); coding-DNA position 1083, T replaced by G.
Protein change: p.Asp361Glu; replaces aspartic acid 361 with glutamic acid.
Molecular consequence: missense variant. On other transcripts: non-coding transcript variant (1), intron variant (2).
Genome position (GRCh38, 1-based): chr15:25,371,091, A>C on the plus strand (T>G on the coding strand, the complement: UBE3A is on the minus strand). VCF-style: chr15-25371091-A-C. GRCh37 (hg19) VCF-style: chr15-25616238-A-C.
Other names: c.1092T>G, p.Asp364Glu (NM_000462.5); c.1083T>G, p.Asp361Glu (NM_001354505.1, NM_001354538.2, NM_001354545.2); c.1023T>G, p.Asp341Glu (NM_001354506.2, NM_001354507.2, NM_001354508.2 and 17 more transcripts); c.906T>G, p.Asp302Glu (NM_001354546.2); c.301+4374T>G (NM_001354551.2); c.361+4374T>G (NM_001354550.2); short protein forms D302E, D341E, D361E, D364E.
Identifiers: ClinVar variation 3713354 (VCV003713354.2).

ClinVar aggregate classification (germline): Uncertain significance (1 of 4 stars; one submission).

Conditions:
Angelman syndrome (AS). Also called: HAPPY PUPPET SYNDROME. Identifiers: Orphanet 72, MedGen C0162635, MONDO:0007113, OMIM 105830. Disease mechanism: loss of function. Inheritance: AS is caused by disruption of maternally imprinted UBE3A located within the 15q11.2-q13 Angelman syndrome/Prader-Willi syndrome (AS/PWS) region., imprinting disorder.

gnomAD v4.1: 1 of 1,614,110 alleles (0.000062%); highest among the groups gnomAD compares: Admixed American, 0.0017%; no homozygotes.

Submission:

Labcorp Genetics (formerly Invitae), Labcorp
Classification: Uncertain significance for Angelman syndrome. Last evaluated: 2024-05-13. Review status: criteria provided, single submitter. Criteria: Invitae Variant Classification Sherloc (09022015). Collection method: clinical testing. Allele origin: germline.
Comment: This sequence change replaces aspartic acid, which is acidic and polar, with glutamic acid, which is acidic and polar, at codon 341 of the UBE3A protein (p.Asp341Glu). This variant is present in population databases (rs750562112, gnomAD 0.003%). This variant has not been reported in the literature in individuals affected with UBE3A-related conditions. Advanced modeling of protein sequence and biophysical properties (such as structural, functional, and spatial information, amino acid conservation, physicochemical variation, residue mobility, and thermodynamic stability) performed at Invitae indicates that this missense variant is not expected to disrupt UBE3A protein function with a negative predictive value of 80%. In summary, the available evidence is currently insufficient to determine the role of this variant in disease. Therefore, it has been classified as a Variant of Uncertain Significance.